The following is an entry in ClinVar:

ClinVar aggregate classification (germline): Uncertain significance. Review status: criteria provided, multiple submitters, no conflicts (2 of 4 stars). 2 submissions from 2 submitters: Uncertain significance (2). Last evaluated 2025-02-07.

Conditions:
Hereditary hemorrhagic telangiectasia (HHT). Also called: Osler hemorrhagic telangiectasia syndrome; ORW DISEASE; Osler Weber Rendu syndrome; OSLER-RENDU-WEBER DISEASE. Identifiers: Orphanet 774, MedGen C0039445, MONDO:0019180. Disease mechanism: loss of function.

Allele frequency attached by ClinVar (database versions not stated): gnomAD 0.00001; gnomAD exomes 0.00001; TOPMed 0.00001.
gnomAD v4.1: 9 of 1,613,878 alleles (0.00056%); highest among the groups gnomAD compares: South Asian, 0.0011%; no homozygotes.

Submissions (2):

Women's Health and Genetics/Laboratory Corporation of America, LabCorp
Classification: Uncertain significance. Last evaluated: 2025-02-07. Review status: criteria provided, single submitter. Criteria: LabCorp Variant Classification Summary - May 2015. Collection method: clinical testing. Allele origin: germline.
Comment: Variant summary: ENG c.219+3G>A alters a conserved nucleotide located close to a canonical splice site and therefore could affect mRNA splicing, leading to a significantly altered protein sequence. Consensus agreement among computation tools predict no significant impact on normal splicing. However, these predictions have yet to be confirmed by functional studies. The variant was absent in 251270 control chromosomes. The available data on variant occurrences in the general population are insufficient to allow any conclusion about variant significance. To our knowledge, no occurrence of c.219+3G>A in individuals affected with Hereditary Hemorrhagic Telangiectasia and no experimental evidence demonstrating its impact on protein function have been reported. ClinVar contains an entry for this variant (Variation ID: 528048). Based on the evidence outlined above, the variant was classified as uncertain significance.

Labcorp Genetics (formerly Invitae), Labcorp
Classification: Uncertain significance for Hereditary hemorrhagic telangiectasia. Last evaluated: 2024-03-20. Review status: criteria provided, single submitter. Criteria: Invitae Variant Classification Sherloc (09022015). Collection method: clinical testing. Allele origin: germline.
Comment: This sequence change falls in intron 2 of the ENG gene. It does not directly change the encoded amino acid sequence of the ENG protein. It affects a nucleotide within the consensus splice site. This variant is not present in population databases (gnomAD no frequency). This variant has not been reported in the literature in individuals affected with ENG-related conditions. ClinVar contains an entry for this variant (Variation ID: 528048). Variants that disrupt the consensus splice site are a relatively common cause of aberrant splicing (PMID: 17576681, 9536098). Algorithms developed to predict the effect of sequence changes on RNA splicing suggest that this variant is not likely to affect RNA splicing. In summary, the available evidence is currently insufficient to determine the role of this variant in disease. Therefore, it has been classified as a Variant of Uncertain Significance.

Literature cited by the submitters: PubMed 17576681 (cited by Labcorp Genetics (formerly Invitae), Labcorp); PubMed 9536098 (cited by Labcorp Genetics (formerly Invitae), Labcorp).

NM_001114753.3(ENG):c.219+3G>A

Gene: ENG (endoglin; minus strand). Cytogenetic location: 9q34.11.
Variant type: single nucleotide variant.
Coding change: c.219+3G>A on transcript NM_001114753.3 (MANE Select); 3 bases into the intron after coding-DNA position 219, G replaced by A.
Molecular consequence: intron variant.
Genome position (GRCh38, 1-based): chr9:127,843,091, C>T on the plus strand (G>A on the coding strand, the complement: ENG is on the minus strand). VCF-style: chr9-127843091-C-T. GRCh37 (hg19) VCF-style: chr9-130605370-C-T.
Other names: c.219+3G>A (NM_000118.4, NM_001406715.1); c.-328+3G>A (NM_001278138.2).
Identifiers: ClinVar variation 528048 (VCV000528048.9), dbSNP rs1419279746, ClinGen allele CA658797298.